The following is an entry in ClinVar:

NM_018646.6(TRPV6):c.43dup (p.Ala15fs)

Gene: TRPV6 (transient receptor potential cation channel subfamily V member 6; minus strand). Cytogenetic location: 7q34.
Variant type: Duplication.
Coding change: c.43dup on transcript NM_018646.6 (MANE Select); coding-DNA position 43, one base duplicated (G; older notation c.43dupG).
Protein change: p.Ala15fs; shifts the reading frame from alanine 15.
Molecular consequence: frameshift variant.
Genome position (GRCh38, 1-based): chr7:142,885,594, C duplicated on the plus strand (G on the coding strand, the reverse complement: TRPV6 is on the minus strand); the first of 7 consecutive C bases (chr7:142,885,594-142,885,600); duplicating any one gives the same sequence. VCF-style (leftmost placement, unchanged base first): chr7-142885593-G-GC. GRCh37 (hg19) VCF-style: chr7-142583338-G-GC.
Other names: short protein forms A15fs.
Identifiers: ClinVar variation 3696047 (VCV003696047.2).
Genomic context (GRCh38, chr7:142,885,593, plus strand): 5'-TCCTTGGGGGCCTGAGGCCGAGGCCAGACCCTGACGGGACTCAGCCTTGGGGCCACATCA[G>GC]CCCCCCCAAGGGCCGGCCCACCGTCTCCCTGTAGAGGTCCCGTCTCCTGTCTCCTGCCTT-3'

ClinVar aggregate classification (germline): Pathogenic (1 of 4 stars; one submission).

Submission:

Labcorp Genetics (formerly Invitae), Labcorp
Classification: Pathogenic. Last evaluated: 2024-11-04. Review status: criteria provided, single submitter. Criteria: Invitae Variant Classification Sherloc (09022015). Collection method: clinical testing. Allele origin: germline.
Comment: This sequence change creates a premature translational stop signal (p.Ala15Glyfs*2) in the TRPV6 gene. It is expected to result in an absent or disrupted protein product. Loss-of-function variants in TRPV6 are known to be pathogenic (PMID: 29861107, 30144375). This variant is not present in population databases (gnomAD no frequency). This variant has not been reported in the literature in individuals affected with TRPV6-related conditions. For these reasons, this variant has been classified as Pathogenic.

Literature cited by the submitters: PubMed 29861107; PubMed 30144375.